The following is an entry in ClinVar:

NM_033337.3(CAV3):c.361T>A (p.Tyr121Asn)

Genes: CAV3 (caveolin 3; plus strand), OXTR (oxytocin receptor; minus strand). Cytogenetic location: 3p25.3.
Variant type: single nucleotide variant.
Coding change: c.361T>A on transcript NM_033337.3 (MANE Select); coding-DNA position 361, T replaced by A.
Protein change: p.Tyr121Asn; replaces tyrosine 121 with asparagine.
Molecular consequence: missense variant.
Genome position (GRCh38, 1-based): chr3:8,745,772, T>A. VCF-style: chr3-8745772-T-A. GRCh37 (hg19) VCF-style: chr3-8787458-T-A.
Other names: c.361T>A, p.Tyr121Asn (NM_001234.5); short protein forms Y121N.
Identifiers: ClinVar variation 2567111 (VCV002567111.2), dbSNP rs2470062620, ClinGen allele CA351663607.

ClinVar aggregate classification (germline): Uncertain significance (1 of 4 stars; one submission).

Conditions:
Cardiovascular phenotype. Identifiers: MedGen CN230736.

Submission:

Ambry Genetics
Classification: Uncertain significance for Cardiovascular phenotype. Last evaluated: 2023-04-14. Review status: criteria provided, single submitter. Criteria: Ambry Variant Classification Scheme 2023. Collection method: clinical testing. Allele origin: germline.
Comment: The p.Y121N variant (also known as c.361T>A), located in coding exon 2 of the CAV3 gene, results from a T to A substitution at nucleotide position 361. The tyrosine at codon 121 is replaced by asparagine, an amino acid with dissimilar properties. This amino acid position is conserved. In addition, this alteration is predicted to be deleterious by in silico analysis. Since supporting evidence is limited at this time, the clinical significance of this alteration remains unclear.